The following is an entry in ClinVar:

NM_000548.5(TSC2):c.5007C>G (p.Val1669=)

Gene: TSC2 (TSC complex subunit 2; plus strand). Cytogenetic location: 16p13.3.
Variant type: single nucleotide variant.
Coding change: c.5007C>G on transcript NM_000548.5 (MANE Select); coding-DNA position 5007, C replaced by G.
Protein change: p.Val1669=; no amino-acid change (valine 1669 retained).
Molecular consequence: synonymous variant. On other transcripts: non-coding transcript variant (5).
Genome position (GRCh38, 1-based): chr16:2,087,880, C>G. VCF-style: chr16-2087880-C-G. GRCh37 (hg19) VCF-style: chr16-2137881-C-G.
Other names: c.4806C>G, p.Val1602= (NM_001077183.3); c.4938C>G, p.Val1646= (NM_001114382.3); c.4698C>G, p.Val1566= (NM_001318827.2); c.4662C>G, p.Val1554= (NM_001318829.2); c.4275C>G, p.Val1425= (NM_001318831.2); c.4839C>G, p.Val1613= (NM_001318832.2); c.4809C>G, p.Val1603= (NM_001363528.2); c.4875C>G, p.Val1625= (NM_001370404.1); and 26 more.
Identifiers: ClinVar variation 4071229 (VCV004071229.1).
Genomic context (GRCh38, chr16:2,087,880, plus strand): 5'-CACACGCTGTGTGCGGGGATGACCCTTTCTCTTGTCCGGGCAGGGCCAGTTCAACTTTGT[C>G]CACGTGATCGTCACCCCGCTGGACTACGAGTGCAACCTGGTGTCCCTGCAGTGCAGGAAA-3'
Protein context (NP_000539.2, residues 1659-1679): LGTIKGQFNF[Val1669=]HVIVTPLDYE

ClinVar aggregate classification (germline): Benign (1 of 4 stars; one submission).

Conditions:
Tuberous sclerosis 2 (TSC2). Identifiers: Orphanet 805, MedGen C1860707, MONDO:0013199, OMIM 613254.

Submission:

Myriad Genetics, Inc.
Classification: Benign for Tuberous sclerosis 2. Last evaluated: 2025-06-05. Review status: criteria provided, single submitter. Criteria: Myriad Autosomal Dominant, Autosomal Recessive and X-Linked Classification Criteria (2023). Collection method: clinical testing. Allele origin: unknown.
Comment: This variant is considered benign. This variant is a silent/synonymous amino acid change and it is not expected to impact splicing.